The following is an entry in ClinVar:

NM_000138.5(FBN1):c.8477C>G (p.Thr2826Ser)

Gene: FBN1 (fibrillin 1; minus strand). Cytogenetic location: 15q21.1.
Variant type: single nucleotide variant.
Coding change: c.8477C>G on transcript NM_000138.5 (MANE Select); coding-DNA position 8477, C replaced by G.
Protein change: p.Thr2826Ser; replaces threonine 2826 with serine.
Molecular consequence: missense variant.
Genome position (GRCh38, 1-based): chr15:48,411,129, G>C on the plus strand (C>G on the coding strand, the complement: FBN1 is on the minus strand). VCF-style: chr15-48411129-G-C. GRCh37 (hg19) VCF-style: chr15-48703326-G-C.
Other names: short protein forms T2826S.
Identifiers: ClinVar variation 200134 (VCV000200134.4), dbSNP rs748384979, ClinGen allele CA017771.
Genomic context (GRCh38, chr15:48,411,129, plus strand): 5'-TCTAGTTGGTTAAGTTCTTTCTTTTTATAAAGTGGAGTACTACTGATTTGTAATGAATAG[G>C]TTCCAGCCACTGGCTTCTTCTTTGTGAAGTGGAGGTAGCTGATCCCTTCCTTTTGGTTGA-3'
Protein context (NP_000129.3, residues 2816-2836): HFTKKKPVAG[Thr2826Ser]YSLQISSTPL

ClinVar aggregate classification (germline): Uncertain significance. Review status: criteria provided, multiple submitters, no conflicts (2 of 4 stars). 3 submissions from 3 submitters: Uncertain significance (2). 1 of the submissions does not count toward it. Last evaluated 2025-08-04.

Conditions:
Marfan syndrome (MFS). Also called: MARFAN SYNDROME, TYPE I; FBN1-Related Marfan Syndrome; Marfan syndrome, classic; Marfan syndrome type 1; Marfan's syndrome. Identifiers: Orphanet 284963, Orphanet 558, MedGen C0024796, MONDO:0007947, OMIM 154700.
Familial thoracic aortic aneurysm and aortic dissection (TAAD). Also called: Thoracic aortic aneurysms and dissections. Identifiers: Orphanet 91387, MedGen C4707243, MONDO:0019625.

Submissions (3):

Color Diagnostics, LLC DBA Color Health
Classification: Uncertain significance for Familial thoracic aortic aneurysm and aortic dissection. Last evaluated: 2025-08-04. Review status: criteria provided, single submitter. Criteria: ACMG Guidelines, 2015. Collection method: clinical testing. Allele origin: germline.
Comment: This missense variant replaces threonine with serine at codon 2826 of the FBN1 protein. Computational prediction suggests that this variant may not impact protein structure and function. To our knowledge, functional studies have not been reported for this variant. This variant has not been reported in individuals affected with FBN1-related disorders in the literature. This variant has not been identified in the general population by the Genome Aggregation Database (gnomAD). The available evidence is insufficient to determine the role of this variant in disease conclusively. Therefore, this variant is classified as a Variant of Uncertain Significance.

Labcorp Genetics (formerly Invitae), Labcorp
Classification: Uncertain significance for Marfan syndrome; Familial thoracic aortic aneurysm and aortic dissection. Last evaluated: 2024-02-06. Review status: criteria provided, single submitter. Criteria: Invitae Variant Classification Sherloc (09022015). Collection method: clinical testing. Allele origin: germline.
Comment: This sequence change replaces threonine, which is neutral and polar, with serine, which is neutral and polar, at codon 2826 of the FBN1 protein (p.Thr2826Ser). This variant is not present in population databases (gnomAD no frequency). This variant has not been reported in the literature in individuals affected with FBN1-related conditions. ClinVar contains an entry for this variant (Variation ID: 200134). Advanced modeling of protein sequence and biophysical properties (such as structural, functional, and spatial information, amino acid conservation, physicochemical variation, residue mobility, and thermodynamic stability) performed at Invitae indicates that this missense variant is not expected to disrupt FBN1 protein function with a negative predictive value of 95%. In summary, the available evidence is currently insufficient to determine the role of this variant in disease. Therefore, it has been classified as a Variant of Uncertain Significance.

Center for Medical Genetics Ghent, University of Ghent
Classification: Uncertain significance for Marfan syndrome. Last evaluated: 2017-11-07. Review status: no assertion criteria provided. Collection method: clinical testing. Allele origin: germline. Affected: yes. Not counted in ClinVar's aggregate classification.